The following is an entry in ClinVar:

ClinVar aggregate classification (germline): Uncertain significance (1 of 4 stars; one submission).

Submission:

GeneDx
Classification: Uncertain significance. Last evaluated: 2026-09-14. Review status: criteria provided, single submitter. Criteria: GeneDx Variant Classification Process June 2021. Collection method: clinical testing. Allele origin: germline.
Comment: Not observed at significant frequency in large population cohorts (gnomAD); In silico analysis supports that this missense variant has a deleterious effect on protein structure/function; Missense variants in this gene are a common cause of disease and they are underrepresented in the general population; Has not been previously published as pathogenic or benign to our knowledge

NM_170665.4(ATP2A2):c.2216T>A (p.Phe739Tyr)

Gene: ATP2A2 (ATPase sarcoplasmic/endoplasmic reticulum Ca2+ transporting 2; plus strand). Cytogenetic location: 12q24.11.
Variant type: single nucleotide variant.
Coding change: c.2216T>A on transcript NM_170665.4 (MANE Select); coding-DNA position 2216, T replaced by A.
Protein change: p.Phe739Tyr; replaces phenylalanine 739 with tyrosine.
Molecular consequence: missense variant.
Genome position (GRCh38, 1-based): chr12:110,342,346, T>A. VCF-style: chr12-110342346-T-A. GRCh37 (hg19) VCF-style: chr12-110780151-T-A.
Other names: c.2216T>A, p.Phe739Tyr (NM_001681.4); short protein forms F739Y.
Identifiers: ClinVar variation 1304342 (VCV001304342.4), dbSNP rs2137861544, ClinGen allele CA386675652.
Genomic context (GRCh38, chr12:110,342,346, plus strand): 5'-TGGGCTCTGGCACTGCGGTGGCTAAAACCGCCTCTGAGATGGTCCTGGCGGATGACAACT[T>A]CTCCACCATTGTGGCTGCCGTTGAGGAGGGGCGGGCAATCTACAACAACATGAAACAGTT-3'
Protein context (NP_733765.1, residues 729-749): ASEMVLADDN[Phe739Tyr]STIVAAVEEG